The following is an entry in ClinVar:

ClinVar aggregate classification (germline): Uncertain significance (1 of 4 stars; one submission).

Conditions:
Cortical dysplasia-focal epilepsy syndrome (PTHSL1). Also called: Pitt-Hopkins-like syndrome 1. Identifiers: Orphanet 163681, Orphanet 221150, MedGen C2750246, MONDO:0012400, OMIM 610042.

gnomAD v4.1: 1 of 1,614,146 alleles (0.000062%); highest among the groups gnomAD compares: Non-Finnish European, 0.000085%; no homozygotes.

Submission:

Labcorp Genetics (formerly Invitae), Labcorp
Classification: Uncertain significance for Cortical dysplasia-focal epilepsy syndrome. Last evaluated: 2022-03-14. Review status: criteria provided, single submitter. Criteria: Invitae Variant Classification Sherloc (09022015). Collection method: clinical testing. Allele origin: germline.
Comment: In summary, the available evidence is currently insufficient to determine the role of this variant in disease. Therefore, it has been classified as a Variant of Uncertain Significance. Algorithms developed to predict the effect of missense changes on protein structure and function are either unavailable or do not agree on the potential impact of this missense change (SIFT: "Deleterious"; PolyPhen-2: "Probably Damaging"; Align-GVGD: "Class C0"). ClinVar contains an entry for this variant (Variation ID: 1060161). This variant has not been reported in the literature in individuals affected with CNTNAP2-related conditions. This variant is not present in population databases (gnomAD no frequency). This sequence change replaces cysteine, which is neutral and slightly polar, with glycine, which is neutral and non-polar, at codon 682 of the CNTNAP2 protein (p.Cys682Gly).

NM_014141.6(CNTNAP2):c.2044T>G (p.Cys682Gly)

Gene: CNTNAP2 (contactin associated protein 2; plus strand). Cytogenetic location: 7q35.
Variant type: single nucleotide variant.
Coding change: c.2044T>G on transcript NM_014141.6 (MANE Select); coding-DNA position 2044, T replaced by G.
Protein change: p.Cys682Gly; replaces cysteine 682 with glycine.
Molecular consequence: missense variant.
Genome position (GRCh38, 1-based): chr7:147,639,252, T>G. VCF-style: chr7-147639252-T-G. GRCh37 (hg19) VCF-style: chr7-147336344-T-G.
Other names: short protein forms C682G.
Identifiers: ClinVar variation 1060161 (VCV001060161.7), dbSNP rs1193166211, ClinGen allele CA369926362.